The following is an entry in ClinVar:

ClinVar aggregate classification (germline): Uncertain significance (1 of 4 stars; one submission).

Allele frequency attached by ClinVar (database versions not stated): gnomAD exomes 0.00001; gnomAD 0.00001; ExAC 0.00003.
gnomAD v4.1: 14 of 1,604,750 alleles (0.00087%); highest among the groups gnomAD compares: Admixed American, 0.0083%; no homozygotes.

Submission:

Labcorp Genetics (formerly Invitae), Labcorp
Classification: Uncertain significance. Last evaluated: 2025-09-29. Review status: criteria provided, single submitter. Criteria: Invitae Variant Classification Sherloc (09022015). Collection method: clinical testing. Allele origin: germline.
Comment: This sequence change replaces threonine, which is neutral and polar, with methionine, which is neutral and non-polar, at codon 93 of the CD81 protein (p.Thr93Met). The frequency data for this variant in the population databases is considered unreliable, as metrics indicate poor data quality at this position in the gnomAD database. This variant has not been reported in the literature in individuals affected with CD81-related conditions. ClinVar contains an entry for this variant (Variation ID: 2972748). An algorithm developed to predict the effect of missense changes on protein structure and function (PolyPhen-2) suggests that this variant is likely to be disruptive. In summary, the available evidence is currently insufficient to determine the role of this variant in disease. Therefore, it has been classified as a Variant of Uncertain Significance.

NM_004356.4(CD81):c.278C>T (p.Thr93Met)

Gene: CD81 (CD81 molecule; plus strand). Cytogenetic location: 11p15.5.
Variant type: single nucleotide variant.
Coding change: c.278C>T on transcript NM_004356.4 (MANE Select); coding-DNA position 278, C replaced by T.
Protein change: p.Thr93Met; replaces threonine 93 with methionine.
Molecular consequence: missense variant.
Genome position (GRCh38, 1-based): chr11:2,394,191, C>T. VCF-style: chr11-2394191-C-T. GRCh37 (hg19) VCF-style: chr11-2415421-C-T.
Other names: c.65C>T, p.Thr22Met (NM_001297649.2, NM_001425129.1, NM_001425130.1 and 4 more transcripts); c.278C>T, p.Thr93Met (NM_001425135.1, NM_001425137.1); short protein forms T22M, T93M.
Identifiers: ClinVar variation 2972748 (VCV002972748.3), dbSNP rs760727392, ClinGen allele CA5819928.
Genomic context (GRCh38, chr11:2,394,191, plus strand): 5'-TGTTCGTTGGCTTCCTGGGCTGCTACGGGGCCATCCAGGAATCCCAGTGCCTGCTGGGGA[C>T]GGTAAGGCAGGGAGGCGGGCCTGTGCCTGGGCCGGGGAGGGGCTGGGGGCTGCGTCTGGC-3'
Protein context (NP_004347.1, residues 83-103): AIQESQCLLG[Thr93Met]FFTCLVILFA